The following is an entry in ClinVar:

ClinVar aggregate classification (germline): Uncertain significance (1 of 4 stars; one submission).

gnomAD v4.1: 2 of 1,610,058 alleles (0.00012%); highest among the groups gnomAD compares: Non-Finnish European, 0.00017%; no homozygotes.

Submission:

CeGaT Center for Human Genetics Tuebingen
Classification: Uncertain significance. Last evaluated: 2026-07-01. Review status: criteria provided, single submitter. Criteria: CeGaT Center For Human Genetics Tuebingen Variant Classification Criteria Version 2. Collection method: clinical testing. Allele origin: germline. Affected: yes. Observed: 1 variant allele.
Comment: KIF1A: PM2, PM1:Supporting, PP2, PP3

NM_001244008.2(KIF1A):c.13T>A (p.Ser5Thr)

Gene: KIF1A (kinesin family member 1A; minus strand). Cytogenetic location: 2q37.3.
Variant type: single nucleotide variant.
Coding change: c.13T>A on transcript NM_001244008.2 (MANE Select); coding-DNA position 13, T replaced by A.
Protein change: p.Ser5Thr; replaces serine 5 with threonine.
Molecular consequence: missense variant.
Genome position (GRCh38, 1-based): chr2:240,797,740, A>T on the plus strand (T>A on the coding strand, the complement: KIF1A is on the minus strand). VCF-style: chr2-240797740-A-T. GRCh37 (hg19) VCF-style: chr2-241737157-A-T.
Other names: c.13T>A, p.Ser5Thr (NM_001320705.2, NM_001330289.2, NM_001330290.2 and 20 more transcripts); short protein forms S5T.
Identifiers: ClinVar variation 5040173 (VCV005040173.1).